The following is an entry in ClinVar:

ClinVar aggregate classification (germline): Conflicting classifications of pathogenicity. Review status: criteria provided, conflicting classifications (1 of 4 stars). 15 submissions from 15 submitters: Pathogenic (11); Likely pathogenic (2); Uncertain significance (1). 1 of the submissions does not count toward it. Last evaluated 2026-01-25.

Conditions:
Malaria, susceptibility to. Identifiers: Orphanet 673, MedGen C1970028, MONDO:0021024, OMIM 611162.
G6PD deficiency. Also called: G6PD A-. Identifiers: MedGen C2939465, MONDO:0005775.
Anemia, nonspherocytic hemolytic, due to G6PD deficiency (CNSHA1). Also called: Class I glucose-6-phosphate dehydrogenase deficiency; ANEMIA, CONGENITAL, NONSPHEROCYTIC HEMOLYTIC, 1; Hemolytic anemia due to G6PD deficiency; Favism, susceptibility to. Identifiers: Orphanet 466026, MedGen C2720289, MONDO:0010480, OMIM 300908.
G6PD MALAGA.

Allele frequency attached by ClinVar (database versions not stated): gnomAD exomes 0.00014 and 0.00004; ExAC 0.00015; gnomAD 0.00045 and 0.00048; TOPMed 0.00054.
gnomAD v4.1: 94 of 1,209,769 alleles (0.0078%); highest among the groups gnomAD compares: African/African-American, 0.11%; no homozygotes.

Submissions 1 to 6 of 15:

Labcorp Genetics (formerly Invitae), Labcorp
Classification: Pathogenic for Anemia, nonspherocytic hemolytic, due to G6PD deficiency. Last evaluated: 2026-01-25. Review status: criteria provided, single submitter. Criteria: Invitae Variant Classification Sherloc (09022015). Collection method: clinical testing. Allele origin: germline.
Comment: This sequence change replaces aspartic acid, which is acidic and polar, with valine, which is neutral and non-polar, at codon 181 of the G6PD protein (p.Asp181Val). The frequency data for this variant in the population databases is considered unreliable, as metrics indicate poor data quality at this position in the gnomAD database. The c.542A>T (p.Asp181Val) variant and the c.376A>G (p.Asn126Asp) variant, when co-occurring in cis as c.[376A>G;542A>T], is known as the G6PD Santa Maria haplotype. The c.542A>T (p.Asn181Val) variant alone (PMID: 10571945, 8956035) and the Santa Maria haplotype (PMID: 1879833, 22963789, 12367584, 8956035, 22906837) have both been observed in individuals affected with G6PD deficiency. ClinVar contains an entry for this variant (Variation ID: 37203). Invitae Evidence Modeling of protein sequence and biophysical properties (such as structural, functional, and spatial information, amino acid conservation, physicochemical variation, residue mobility, and thermodynamic stability) has been performed for this missense variant. However, the output from this modeling did not meet the statistical confidence thresholds required to predict the impact of this variant on G6PD protein function. Experimental studies are not available for the c.542A>T (p.Asn181Val) variant alone, but in vitro studies have shown that the G6PD Santa Maria haplotype abrogates enzyme activity and reduces affinity for the substrate (PMID: 26633385). For these reasons, this variant has been classified as Pathogenic.

Dasa
Classification: Pathogenic. Last evaluated: 2025-12-01. Review status: criteria provided, single submitter. Criteria: DASA Assertion Criteria. Collection method: clinical testing. Allele origin: germline.
Comment: NM_001360016.2(G6PD):c.542A>T (p.Asp181Val) is a missense variant that results in the substitution of aspartic acid with valine. Functional evidence supports a deleterious effect on the gene or gene product (PMID: 26633385; PMID: 10571945; PMID: 8956035; PMID: 12367584; PMID: 22906837). This variant has been recurrently observed in individuals with related phenotype (PMID: 26633385; PMID: 10571945; PMID: 8956035; PMID: 12367584; PMID: 22906837). The variant is present at low frequency in population datasets. Based on the available data, this variant is classified as pathogenic.

GeneDx
Classification: Pathogenic. Last evaluated: 2025-11-11. Review status: criteria provided, single submitter. Criteria: GeneDx Variant Classification Process June 2021. Collection method: clinical testing. Allele origin: germline. Affected: yes.
Comment: Biochemical studies of G6PD enzyme activity from patient blood samples showed that G6PD Malaga (D181V) and G6PD Santamaria (D181V+N126D) have similar abnormal kinetic properties, though G6PD Santamaria showed additional abnormalities thought to be due to the interaction of both variants (PMID: 8956035); Published functional studies demonstrate that the G6PD Santamaria variant (D181V+N126D) causes lower levels of expression of soluble protein as well as reduced enzyme activity compared to both wild-type GP6D and G6PD harboring the N126D variant alone (PMID: 26633385); In silico analysis suggests that this missense variant does not alter protein structure/function; This variant is associated with the following publications: (PMID: 27267757, 21931771, 26738565, 17611006, 10571945, 6433630, 1879833, 9233561, 8956035, 31589614, 36681081, 36007526, 34272389, 26633385, 33637102, 39607789)

Variantyx, Inc.
Classification: Pathogenic for Anemia, nonspherocytic hemolytic, due to G6PD deficiency. Last evaluated: 2025-09-08. Review status: criteria provided, single submitter. Criteria: Variantyx Assertion Criteria 2022. Collection method: clinical testing. Allele origin: maternal. Inheritance: X-linked inheritance.
Comment: This is a nonsynonymous variant in the G6PD gene (OMIM: 305900). and was observed as part of a complex allele formed by two nonsynonymous variants. Pathogenic variants in this gene have been associated with X-linked hemolytic anemia due to G6PD deficiency (favism). This complex allele, also reported as p.[Asn126Asp;Asp181Val], has been identified in a large number of individuals with X-linked G6PD deficiency (PMID: 6433630, 7949118, 8956035, 10571945, 22906837, 34451395, 36150187) (PS4). Functional studies have shown that this complex allele causes a significant reduction in enzyme activity (PMID: 6433630, 26633385) (PS3). Furthermore, functional studies have shown that alleles which lack the p.Asp181Val variant, but contain the p.Asn126Asp variant, does not cause enzyme deficiency, strongly arguing that p.Asp181Val is the primary contributor to the functional defect (PMID: 26633385). Computational algorithms produce conflicting evidence regarding the predicted functional impact of the p.Asp181Val variant (REVEL score: 0.607), whereas p.Asn126Asp is predicted to have a benign impact (REVEL score: 0.274) (BP4). The p.Asp181Val and p.Asn126Asp variants have maximum allele frequencies of 0.11% and 31.9%, respectively, in non-founder control populations. Based on the current evidence, this allele is classified as pathogenic for X-linked hemolytic anemia due to G6PD deficiency (favism).

Victorian Clinical Genetics Services, Murdoch Childrens Research Institute
Classification: Pathogenic for Anemia, nonspherocytic hemolytic, due to G6PD deficiency. Last evaluated: 2024-12-03. Review status: criteria provided, single submitter. Criteria: ACMG Guidelines, 2015. Collection method: clinical testing. Allele origin: germline. Affected: yes.
Comment: Evidence in support of pathogenic classification: - Variant is present in gnomAD <0.01 (v4: 72 heterozygote(s), 0 homozygote(s), 22 hemizygote(s)) . - This variant has strong previous evidence of pathogenicity in unrelated individuals. This variant alone, known as the Malaga variant, as well as this variant in cis with c.376A>G; p.Asn126Asp, known as the Santa Maria haplotype, have both been reported in individuals with G6PD deficient haemolytic anaemia (ClinVar, PMID: 10571945, PMID: 22293322, PMID: 36681081). Additional information: - Variant is predicted to result in a missense amino acid change from aspartic acid to valine. - This variant is hemizygous. - This gene is associated with X-linked recessive disease. Hemizygous males and homozygous females are commonly affected; however, some heterozygous female carriers can also be affected depending on X-inactivation. - Variant is located in the annotated Glucose-6-phosphate dehydrogenase, NAD binding domain (DECIPHER). - Missense variant with inconclusive in silico prediction and uninformative conservation. - Loss of function is a known mechanism of disease in this gene and is associated with G6PD deficient hemolytic anemia (favism) (MIM#300908). - Inheritance information for this variant is not currently available in this individual.

Mayo Clinic Laboratories, Mayo Clinic
Classification: Pathogenic. Last evaluated: 2024-06-20. Review status: criteria provided, single submitter. Criteria: ACMG Guidelines, 2015. Collection method: clinical testing. Allele origin: germline. Observed: 6 variant alleles.

NM_000402.4(G6PD):c.632A>T (p.Asp211Val)

Gene: G6PD (glucose-6-phosphate dehydrogenase; minus strand). Cytogenetic location: Xq28.
Variant type: single nucleotide variant.
Coding change: c.632A>T on transcript NM_000402.4; coding-DNA position 632, A replaced by T.
Protein change: p.Asp211Val; replaces aspartic acid 211 with valine.
Molecular consequence: missense variant.
Genome position (GRCh38, 1-based): chrX:154,534,440, T>A on the plus strand (A>T on the coding strand, the complement: G6PD is on the minus strand). VCF-style: chrX-154534440-T-A. GRCh37 (hg19) VCF-style: chrX-153762655-T-A.
Other names: G6PD, ASP181VAL; G6PD Malaga; c.542A>T, p.Asp181Val (NM_001042351.3, NM_001360016.2); short protein forms D181V, D211V.
Identifiers: ClinVar variation 37203 (VCV000037203.58), dbSNP rs5030872, ClinGen allele CA130188.
Genomic context (GRCh38, chrX:154,534,440, plus strand): 5'-TGGTCGATGCGGTAGATCTGGTCCTCACGGAACAGGGAGGAGATGTGGTTGGACAGCCGG[T>A]CAGAGCTCTGCAGGTCCCTCCCGAAGGGCTTCTCCACGATGATGCGGTTCCAGCCTCTGC-3'